The following is an entry in ClinVar:

ClinVar aggregate classification (germline): Uncertain significance (1 of 4 stars; one submission).

Submission:

Labcorp Genetics (formerly Invitae), Labcorp
Classification: Uncertain significance. Last evaluated: 2025-10-01. Review status: criteria provided, single submitter. Criteria: Invitae Variant Classification Sherloc (09022015). Collection method: clinical testing. Allele origin: germline.
Comment: This sequence change replaces leucine, which is neutral and non-polar, with methionine, which is neutral and non-polar, at codon 203 of the HARS2 protein (p.Leu203Met). This variant is not present in population databases (gnomAD no frequency). This variant has not been reported in the literature in individuals affected with HARS2-related conditions. ClinVar contains an entry for this variant (Variation ID: 2011777). Invitae Evidence Modeling of protein sequence and biophysical properties (such as structural, functional, and spatial information, amino acid conservation, physicochemical variation, residue mobility, and thermodynamic stability) indicates that this missense variant is not expected to disrupt HARS2 protein function with a negative predictive value of 80%. In summary, the available evidence is currently insufficient to determine the role of this variant in disease. Therefore, it has been classified as a Variant of Uncertain Significance.

NM_012208.4(HARS2):c.607T>A (p.Leu203Met)

Gene: HARS2 (histidyl-tRNA synthetase 2, mitochondrial; plus strand). Cytogenetic location: 5q31.3.
Variant type: single nucleotide variant.
Coding change: c.607T>A on transcript NM_012208.4 (MANE Select); coding-DNA position 607, T replaced by A.
Protein change: p.Leu203Met; replaces leucine 203 with methionine.
Molecular consequence: missense variant.
Genome position (GRCh38, 1-based): chr5:140,695,819, T>A. VCF-style: chr5-140695819-T-A. GRCh37 (hg19) VCF-style: chr5-140075404-T-A.
Other names: c.532T>A, p.Leu178Met (NM_001278731.2); c.397T>A, p.Leu133Met (NM_001363536.2); c.175T>A, p.Leu59Met (NM_001278732.2); c.625T>A, p.Leu209Met (NM_001363535.2); short protein forms L209M, L178M, L203M, L59M, L133M.
Identifiers: ClinVar variation 2011777 (VCV002011777.4), dbSNP rs181809358, ClinGen allele CA361198308.